The following is an entry in ClinVar:

ClinVar aggregate classification (germline): Uncertain significance. Review status: criteria provided, multiple submitters, no conflicts (2 of 4 stars). 3 submissions from 3 submitters: Uncertain significance (3). Last evaluated 2026-06-24.

Conditions:
BMPR2-related disorder. Also called: BMPR2-related disorders; BMPR2-related condition.
Pulmonary arterial hypertension. Identifiers: Orphanet 182090, MedGen C2973725, MeSH D000081029, MONDO:0015924, HP:0002092.
Inborn genetic diseases. Identifiers: MedGen C0950123, MeSH D030342.

Submissions (3):

PreventionGenetics, part of Exact Sciences
Classification: Uncertain significance for BMPR2-related condition. Last evaluated: 2026-06-24. Review status: criteria provided, single submitter. Criteria: ACMG Guidelines, 2015. Collection method: clinical testing. Allele origin: germline.
Comment: The BMPR2 c.188G>A variant is predicted to result in the amino acid substitution p.Gly63Asp. To our knowledge, this variant has not been reported in the literature or in a large population database (gnomAD), indicating this variant is rare. At this time, the clinical significance of this variant is uncertain due to the absence of conclusive functional and genetic evidence.

Ambry Genetics
Classification: Uncertain significance for Inborn genetic diseases. Last evaluated: 2026-06-22. Review status: criteria provided, single submitter. Criteria: Ambry Variant Classification Scheme 2023. Collection method: clinical testing. Allele origin: germline.
Comment: The p.G63D variant (also known as c.188G>A), located in coding exon 2 of the BMPR2 gene, results from a G to A substitution at nucleotide position 188. The glycine at codon 63 is replaced by aspartic acid, an amino acid with similar properties. This amino acid position is conserved. In addition, this alteration is predicted to be deleterious by in silico analysis. Based on the available evidence, the clinical significance of this variant remains unclear.

Department of Pathology and Laboratory Medicine, Sinai Health System
Classification: Uncertain significance for pulmonary arterial hypertension. Last evaluated: 2022-11-01. Review status: criteria provided, single submitter. Criteria: ACMG Guidelines, 2015. Collection method: research. Allele origin: germline.

NM_001204.7(BMPR2):c.188G>A (p.Gly63Asp)

Gene: BMPR2 (bone morphogenetic protein receptor type 2; plus strand). Cytogenetic location: 2q33.1.
Variant type: single nucleotide variant.
Coding change: c.188G>A on transcript NM_001204.7 (MANE Select); coding-DNA position 188, G replaced by A.
Protein change: p.Gly63Asp; replaces glycine 63 with aspartic acid.
Molecular consequence: missense variant.
Genome position (GRCh38, 1-based): chr2:202,464,920, G>A. VCF-style: chr2-202464920-G-A. GRCh37 (hg19) VCF-style: chr2-203329643-G-A.
Other names: short protein forms G63D.
Identifiers: ClinVar variation 3778904 (VCV003778904.3).